The following is an entry in ClinVar:

ClinVar aggregate classification (germline): Uncertain significance (1 of 4 stars; one submission).

Conditions:
Liddle syndrome 1 (LIDLS1). Also called: PSEUDOALDOSTERONISM. Identifiers: Orphanet 526, MedGen CN031472, MONDO:0020607, OMIM 177200.

Allele frequency attached by ClinVar (database versions not stated): gnomAD exomes below 0.00001; ExAC 0.00001; gnomAD 0.00001; TOPMed 0.00002.
gnomAD v4.1: 6 of 1,613,330 alleles (0.00037%); highest among the groups gnomAD compares: Middle Eastern, 0.017%; no homozygotes.

Submission:

Johns Hopkins Genomics, Johns Hopkins University
Classification: Uncertain significance for Liddle syndrome 1. Last evaluated: 2019-03-29. Review status: criteria provided, single submitter. Criteria: ACMG Guidelines, 2015. Collection method: clinical testing. Allele origin: germline.
Comment: This SCNN1B variant (rs769244277) is rare (<0.1%) in large population datasets (gnomAD: 1/249294 total alleles; 0.0004%; no homozygotes). SCNN1B c.1760A>G has not been reported in ClinVar nor the literature, to our knowledge. Of two bioinformatics tools queried, one predicts that the substitution would be probably damaging, while the second predicts that it would be tolerated. The asparagine residue at this position is evolutionarily conserved across all species assessed, except coelacanth. Bioinformatic analysis predicts that this variant would not affect normal exon 13 splicing, although this has not been confirmed experimentally to our knowledge. This variant is outside of the SCNN1B PY motif, which is typically altered by Liddle syndrome associated variants. The clinical significance of c.1760A>G is uncertain at this time.

NM_000336.3(SCNN1B):c.1760A>G (p.Asn587Ser)

Gene: SCNN1B (sodium channel epithelial 1 subunit beta; plus strand). Cytogenetic location: 16p12.2.
Variant type: single nucleotide variant.
Coding change: c.1760A>G on transcript NM_000336.3 (MANE Select); coding-DNA position 1760, A replaced by G.
Protein change: p.Asn587Ser; replaces asparagine 587 with serine.
Molecular consequence: missense variant.
Genome position (GRCh38, 1-based): chr16:23,380,638, A>G. VCF-style: chr16-23380638-A-G. GRCh37 (hg19) VCF-style: chr16-23391959-A-G.
Other names: short protein forms N587S.
Identifiers: ClinVar variation 635564 (VCV000635564.1), dbSNP rs769244277, ClinGen allele CA7960630.